The following is an entry in ClinVar:

NM_001378120.1(MBD5):c.224A>G (p.Asn75Ser)

Gene: MBD5 (methyl-CpG binding domain protein 5; plus strand). Cytogenetic location: 2q23.1.
Variant type: single nucleotide variant.
Coding change: c.224A>G on transcript NM_001378120.1 (MANE Select); coding-DNA position 224, A replaced by G.
Protein change: p.Asn75Ser; replaces asparagine 75 with serine.
Molecular consequence: missense variant.
Genome position (GRCh38, 1-based): chr2:148,463,746, A>G. VCF-style: chr2-148463746-A-G. GRCh37 (hg19) VCF-style: chr2-149221315-A-G.
Other names: c.224A>G, p.Asn75Ser (NM_018328.5); short protein forms N75S.
Identifiers: ClinVar variation 1502101 (VCV001502101.8), dbSNP rs2105581271, ClinGen allele CA348716325.

ClinVar aggregate classification (germline): Uncertain significance (1 of 4 stars; one submission).

Conditions:
Intellectual developmental disorder, autosomal dominant 1. Also called: Intellectual disability, autosomal dominant 1; MBD5 Haploinsufficiency. Identifiers: Orphanet 228402, MedGen C1969562, MONDO:0007974, OMIM 156200.

Submission:

Labcorp Genetics (formerly Invitae), Labcorp
Classification: Uncertain significance for Intellectual developmental disorder, autosomal dominant 1. Last evaluated: 2021-07-04. Review status: criteria provided, single submitter. Criteria: Invitae Variant Classification Sherloc (09022015). Collection method: clinical testing. Allele origin: germline.
Comment: This sequence change replaces asparagine with serine at codon 75 of the MBD5 protein (p.Asn75Ser). The asparagine residue is highly conserved and there is a small physicochemical difference between asparagine and serine. This variant is not present in population databases (ExAC no frequency). This variant has not been reported in the literature in individuals affected with MBD5-related conditions. Algorithms developed to predict the effect of missense changes on protein structure and function (SIFT, PolyPhen-2, Align-GVGD) all suggest that this variant is likely to be disruptive. In summary, the available evidence is currently insufficient to determine the role of this variant in disease. Therefore, it has been classified as a Variant of Uncertain Significance.